The following is an entry in ClinVar:

ClinVar aggregate classification (germline): Conflicting classifications of pathogenicity. Review status: criteria provided, conflicting classifications (1 of 4 stars). 4 submissions from 4 submitters: Uncertain significance (2); Likely benign (2). Last evaluated 2024-11-01.

Conditions:
Anophthalmia/microphthalmia-esophageal atresia syndrome (MCOPS3). Also called: SOX2 Disorder; AEG SYNDROME; MICROPHTHALMIA AND ESOPHAGEAL ATRESIA SYNDROME. Identifiers: Orphanet 77298, MedGen C1859773, MONDO:0008799, OMIM 206900.

Allele frequency attached by ClinVar (database versions not stated): TOPMed 0.00004; gnomAD exomes 0.00014 and 0.00025; 1000 Genomes Project 30x 0.00016; 1000 Genomes Project 0.00020; ExAC 0.00024; gnomAD 0.00021.

Submissions (4):

Blueprint Genetics
Classification: Likely benign. Last evaluated: 2024-11-01. Review status: criteria provided, single submitter. Criteria: ACMG Guidelines, 2015. Collection method: clinical testing. Allele origin: germline.

Labcorp Genetics (formerly Invitae), Labcorp
Classification: Likely benign for Anophthalmia/microphthalmia-esophageal atresia syndrome. Last evaluated: 2022-12-25. Review status: criteria provided, single submitter. Criteria: Invitae Variant Classification Sherloc (09022015). Collection method: clinical testing. Allele origin: germline.

GeneDx
Classification: Uncertain significance. Last evaluated: 2021-01-12. Review status: criteria provided, single submitter. Criteria: GeneDx Variant Classification Process June 2021. Collection method: clinical testing. Allele origin: germline. Affected: yes.
Comment: In silico analysis supports that this missense variant has a deleterious effect on protein structure/function; Has not been previously published as pathogenic or benign to our knowledge

Eurofins Ntd Llc (ga)
Classification: Uncertain significance. Last evaluated: 2013-11-05. Review status: criteria provided, single submitter. Criteria: EGL Classification Definitions 2015. Collection method: clinical testing. Allele origin: germline. Observed: 1 variant allele, 1 heterozygote.

NM_003106.4(SOX2):c.651G>T (p.Met217Ile)

Genes: SOX2 (SRY-box transcription factor 2; plus strand), SOX2-OT (SOX2 overlapping transcript; plus strand). Cytogenetic location: 3q26.33.
Variant type: single nucleotide variant.
Coding change: c.651G>T on transcript NM_003106.4 (MANE Select); coding-DNA position 651, G replaced by T.
Protein change: p.Met217Ile; replaces methionine 217 with isoleucine.
Molecular consequence: missense variant.
Genome position (GRCh38, 1-based): chr3:181,713,011, G>T. VCF-style: chr3-181713011-G-T. GRCh37 (hg19) VCF-style: chr3-181430799-G-T.
Other names: short protein forms M217I.
Identifiers: ClinVar variation 94103 (VCV000094103.12), dbSNP rs199887134, ClinGen allele CA221963.